The following is an entry in ClinVar:

ClinVar aggregate classification (germline): Uncertain significance (1 of 4 stars; one submission).

gnomAD v4.1: 1 of 1,210,151 alleles (0.000083%); highest among the groups gnomAD compares: Non-Finnish European, 0.00011%; no homozygotes.

Submissions (2):

Dasa
Classification: Uncertain significance. Last evaluated: 2024-12-11. Review status: criteria provided, single submitter. Criteria: DASA Assertion Criteria. Collection method: clinical testing. Allele origin: germline.
Comment: NM_000292.3(PHKA2):c.277A>G (p.Met93Val) is a missense variant that results in the substitution of methionine with valine. This variant is rare in population databases. Computational prediction algorithms are consistent with a deleterious effect. The currently available literature and clinical evidence are not sufficient to establish a definitive association between this variant and the reported condition. Therefore, this variant is classified as a variant of uncertain significance.

Dr. Peter K. Rogan Lab, Western University
No classification provided (evidence only). Condition: Thyroid cancer, nonmedullary, 1. Review status: no classification provided. Collection method: in vitro. Allele origin: not applicable. Functional consequence: retained intron. Not counted in ClinVar's aggregate classification.

NM_000292.3(PHKA2):c.277A>G (p.Met93Val)

Gene: PHKA2 (phosphorylase kinase regulatory subunit alpha 2; minus strand). Cytogenetic location: Xp22.13.
Variant type: single nucleotide variant.
Coding change: c.277A>G on transcript NM_000292.3 (MANE Select); coding-DNA position 277, A replaced by G.
Protein change: p.Met93Val; replaces methionine 93 with valine.
Molecular consequence: missense variant.
Genome position (GRCh38, 1-based): chrX:18,952,502, T>C on the plus strand (A>G on the coding strand, the complement: PHKA2 is on the minus strand). VCF-style: chrX-18952502-T-C. GRCh37 (hg19) VCF-style: chrX-18970620-T-C.
Other names: NC_000023.10:g.18970620T>C; c.277A>G, p.Met93Val (NM_001440800.1, NM_001440801.1, NM_001440802.1 and 3 more transcripts); short protein forms M93V.
Identifiers: ClinVar variation 4483192 (VCV004483192.3).